The following is an entry in ClinVar:

ClinVar aggregate classification (germline): Likely benign (1 of 4 stars; one submission).

Allele frequency attached by ClinVar (database versions not stated): TOPMed 0.00001; gnomAD 0.00002; ExAC 0.00004; ESP Exome Variant Server 0.00008.
gnomAD v4.1: 44 of 1,611,946 alleles (0.0027%); highest among the groups gnomAD compares: Non-Finnish European, 0.0034%; no homozygotes.

Submission:

CeGaT Center for Human Genetics Tuebingen
Classification: Likely benign. Last evaluated: 2023-05-01. Review status: criteria provided, single submitter. Criteria: CeGaT Center For Human Genetics Tuebingen Variant Classification Criteria Version 2. Collection method: clinical testing. Allele origin: germline. Affected: yes. Observed: 1 variant allele.
Comment: MUC5B: BP4, BP7

NM_002458.3(MUC5B):c.642G>A (p.Pro214=)

Gene: MUC5B (mucin 5B, oligomeric mucus/gel-forming; plus strand). Cytogenetic location: 11p15.5.
Variant type: single nucleotide variant.
Coding change: c.642G>A on transcript NM_002458.3 (MANE Select); coding-DNA position 642, G replaced by A.
Protein change: p.Pro214=; no amino-acid change (proline 214 retained).
Molecular consequence: synonymous variant.
Genome position (GRCh38, 1-based): chr11:1,227,373, G>A. VCF-style: chr11-1227373-G-A. GRCh37 (hg19) VCF-style: chr11-1248603-G-A.
Identifiers: ClinVar variation 2641181 (VCV002641181.24), dbSNP rs374789248, ClinGen allele CA5804041.